The following is an entry in ClinVar:

NM_002381.5(MATN3):c.1169-10G>A

Genes: MATN3 (matrilin 3; minus strand), WDR35-DT (WDR35 divergent transcript; plus strand). Cytogenetic location: 2p24.1.
Variant type: single nucleotide variant.
Coding change: c.1169-10G>A on transcript NM_002381.5 (MANE Select); 10 bases into the intron before coding-DNA position 1169, G replaced by A.
Molecular consequence: intron variant.
Genome position (GRCh38, 1-based): chr2:19,997,269, C>T on the plus strand (G>A on the coding strand, the complement: MATN3 is on the minus strand). VCF-style: chr2-19997269-C-T. GRCh37 (hg19) VCF-style: chr2-20197030-C-T.
Identifiers: ClinVar variation 198148 (VCV000198148.32), dbSNP rs149849256, ClinGen allele CA203278.

ClinVar aggregate classification (germline): Benign. Review status: criteria provided, multiple submitters, no conflicts (2 of 4 stars). 8 submissions from 8 submitters: Benign (8). Last evaluated 2026-05-11.

Conditions:
Connective tissue disorder. Also called: Connective tissue disease. Identifiers: MedGen C0009782, MONDO:0003900.
Multiple epiphyseal dysplasia type 5 (EDM5). Also called: Microepiphyseal dysplasia, bilateral hereditary; MATN3-Related Multiple Epiphyseal Dysplasia. Identifiers: Orphanet 93311, MedGen C1846843, MONDO:0011765, OMIM 607078.

Allele frequency attached by ClinVar (database versions not stated): gnomAD exomes 0.00333 and 0.00917; TOPMed 0.00431; ExAC 0.01066; ESP Exome Variant Server 0.00188; 1000 Genomes Project 30x 0.00609; gnomAD 0.00242; 1000 Genomes Project 0.00599.
gnomAD v4.1: 5,268 of 1,593,540 alleles (0.33%); highest among the groups gnomAD compares: Admixed American, 3.9%; 81 homozygotes.

Submissions (10):

Women's Health and Genetics/Laboratory Corporation of America, LabCorp
Classification: Benign. Last evaluated: 2026-05-11. Review status: criteria provided, single submitter. Criteria: LabCorp Variant Classification Summary - May 2015. Collection method: clinical testing. Allele origin: germline.

Labcorp Genetics (formerly Invitae), Labcorp
Classification: Benign. Last evaluated: 2026-02-01. Review status: criteria provided, single submitter. Criteria: Invitae Variant Classification Sherloc (09022015). Collection method: clinical testing. Allele origin: germline.

ARUP Laboratories, Molecular Genetics and Genomics, ARUP Laboratories
Classification: Benign. Last evaluated: 2023-09-13. Review status: criteria provided, single submitter. Criteria: ARUP Molecular Germline Variant Investigation Process 2024. Collection method: clinical testing. Allele origin: germline.

Genome Diagnostics Laboratory, The Hospital for Sick Children
Classification: Benign for Connective tissue disorder. Last evaluated: 2021-11-22. Review status: criteria provided, single submitter. Criteria: ACMG Guidelines, 2015. Collection method: clinical testing. Allele origin: germline.

GeneDx
Classification: Benign. Last evaluated: 2021-05-04. Review status: criteria provided, single submitter. Criteria: GeneDx Variant Classification Process June 2021. Collection method: clinical testing. Allele origin: germline. Affected: yes.

Illumina Laboratory Services, Illumina
Classification: Benign for Multiple epiphyseal dysplasia type 5. Last evaluated: 2018-01-12. Review status: criteria provided, single submitter. Criteria: ICSL Variant Classification Criteria 13 December 2019. Collection method: clinical testing. Allele origin: germline.
Comment: This variant was observed in the ICSL laboratory as part of a predisposition screen in an ostensibly healthy population. It had not been previously curated by ICSL or reported in the Human Gene Mutation Database (HGMD: prior to June 1st, 2018), and was therefore a candidate for classification through an automated scoring system. Utilizing variant allele frequency, disease prevalence and penetrance estimates, and inheritance mode, an automated score was calculated to assess if this variant is too frequent to cause the disease. Based on the score and internal cut-off values, a variant classified as benign is not then subjected to further curation. The score for this variant resulted in a classification of benign for this disease.

Eurofins Ntd Llc (ga)
Classification: Benign. Last evaluated: 2015-05-11. Review status: criteria provided, single submitter. Criteria: EGL Classification Definitions 2015. Collection method: clinical testing. Allele origin: germline. Observed: 1 variant allele, 1 heterozygote.

Breakthrough Genomics
Classification: Benign. Review status: criteria provided, single submitter. Criteria: ACMG Guidelines, 2015. Collection method: not provided. Allele origin: germline. Inheritance: Other. Affected: yes.

Dr. Peter K. Rogan Lab, Western University
No classification provided (evidence only). Condition: Familial cancer of breast. Review status: no classification provided. Collection method: in vitro. Allele origin: not applicable. Functional consequence: retained intron. Not counted in ClinVar's aggregate classification.

Dr. Peter K. Rogan Lab, Western University
No classification provided (evidence only). Condition: Uterine corpus endometrial carcinoma. Review status: no classification provided. Collection method: in vitro. Allele origin: not applicable. Functional consequence: retained intron. Not counted in ClinVar's aggregate classification.